The following is an entry in ClinVar:

ClinVar aggregate classification (germline): Pathogenic (1 of 4 stars; one submission).

Conditions:
Brachyolmia-amelogenesis imperfecta syndrome. Also called: PLATYSPONDYLY WITH AMELOGENESIS IMPERFECTA; Tooth agenesis, selective, 6; Dental anomalies and short stature. Identifiers: Orphanet 2899, MedGen C1832594, MONDO:0011018, OMIM 601216. Disease mechanism: loss of function.

Allele frequency attached by ClinVar (database versions not stated): gnomAD exomes below 0.00001.

Submission:

Labcorp Genetics (formerly Invitae), Labcorp
Classification: Pathogenic for Brachyolmia-amelogenesis imperfecta syndrome. Last evaluated: 2023-07-31. Review status: criteria provided, single submitter. Criteria: Invitae Variant Classification Sherloc (09022015). Collection method: clinical testing. Allele origin: germline.
Comment: For these reasons, this variant has been classified as Pathogenic. Algorithms developed to predict the effect of sequence changes on RNA splicing suggest that this variant may create or strengthen a splice site. This variant has not been reported in the literature in individuals affected with LTBP3-related conditions. This variant is not present in population databases (gnomAD no frequency). This sequence change creates a premature translational stop signal (p.Ala163Profs*30) in the LTBP3 gene. It is expected to result in an absent or disrupted protein product. Loss-of-function variants in LTBP3 are known to be pathogenic (PMID: 11790802, 19344874, 25669657).

Literature cited by the submitters: PubMed 11790802; PubMed 19344874; PubMed 25669657.

NM_001130144.3(LTBP3):c.483_484del (p.Ala163fs)

Gene: LTBP3 (latent transforming growth factor beta binding protein 3; minus strand). Cytogenetic location: 11q13.1.
Variant type: Deletion.
Coding change: c.483_484del on transcript NM_001130144.3 (MANE Select); coding-DNA positions 483 to 484, 2 bases deleted (AG; older notation c.483_484delAG).
Protein change: p.Ala163fs; shifts the reading frame from alanine 163.
Molecular consequence: frameshift variant.
Genome position (GRCh38, 1-based): chr11:65,554,228-65,554,229, CT deleted on the plus strand (AG on the coding strand, the reverse complement: LTBP3 is on the minus strand). VCF-style (leftmost placement, unchanged base first): chr11-65554227-CCT-C. GRCh37 (hg19) VCF-style: chr11-65321698-CCT-C.
Other names: c.132_133del, p.Ala46fs (NM_001164266.1); c.483_484del, p.Ala163fs (NM_021070.4); short protein forms A46fs, A163fs.
Identifiers: ClinVar variation 2828631 (VCV002828631.3), dbSNP rs2496178103, ClinGen allele CA2614344537.